The following is an entry in ClinVar:

ClinVar aggregate classification (germline): Benign/Likely benign. Review status: criteria provided, multiple submitters, no conflicts (2 of 4 stars). 3 submissions from 3 submitters: Benign (2); Likely benign (1). Last evaluated 2022-08-01.

Allele frequency attached by ClinVar (database versions not stated): 1000 Genomes Project 0.00040; TOPMed 0.00184; ESP Exome Variant Server 0.00215; 1000 Genomes Project 30x 0.00031.
gnomAD v4.1: 4,446 of 1,610,866 alleles (0.28%); highest among the groups gnomAD compares: Non-Finnish European, 0.33%; 10 homozygotes.

Submissions (3):

CeGaT Center for Human Genetics Tuebingen
Classification: Likely benign. Last evaluated: 2022-08-01. Review status: criteria provided, single submitter. Criteria: CeGaT Center For Human Genetics Tuebingen Variant Classification Criteria Version 2. Collection method: clinical testing. Allele origin: germline. Affected: yes. Observed: 2 variant alleles.
Comment: ATP10A: BP4, BP7

Labcorp Genetics (formerly Invitae), Labcorp
Classification: Benign. Last evaluated: 2019-12-31. Review status: criteria provided, single submitter. Criteria: Invitae Variant Classification Sherloc (09022015). Collection method: clinical testing. Allele origin: germline.

Breakthrough Genomics
Classification: Benign. Review status: criteria provided, single submitter. Criteria: ACMG Guidelines, 2015. Collection method: not provided. Allele origin: germline. Inheritance: Unknown mechanism. Affected: yes.

NM_024490.4(ATP10A):c.1686G>T (p.Ser562=)

Gene: ATP10A (ATPase phospholipid transporting 10A (putative); minus strand). Cytogenetic location: 15q12.
Variant type: single nucleotide variant.
Coding change: c.1686G>T on transcript NM_024490.4 (MANE Select); coding-DNA position 1686, G replaced by T.
Protein change: p.Ser562=; no amino-acid change (serine 562 retained).
Molecular consequence: synonymous variant.
Genome position (GRCh38, 1-based): chr15:25,716,820, C>A on the plus strand (G>T on the coding strand, the complement: ATP10A is on the minus strand). VCF-style: chr15-25716820-C-A. GRCh37 (hg19) VCF-style: chr15-25961967-C-A.
Identifiers: ClinVar variation 718567 (VCV000718567.29), dbSNP rs138320664, ClinGen allele CA7436718.
Genomic context (GRCh38, chr15:25,716,820, plus strand): 5'-GACGACTGTGTTGCAGATGGTGAGTGCGATGAAGAAATCAAAGACGTCAGACAGCTCAGG[C>A]GAGAGGTGGGCCAGCAGGTGCTCCTGATGCCTCGCCACGGCTAGGCTCTTGTCACACTCA-3'
Protein context (NP_077816.1, residues 552-572): RHQEHLLAHL[Ser562=]PELSDVFDFF